The following is an entry in ClinVar:

NM_001846.4(COL4A2):c.38T>A (p.Leu13Gln)

Gene: COL4A2 (collagen type IV alpha 2 chain; plus strand). Cytogenetic location: 13q34.
Variant type: single nucleotide variant.
Coding change: c.38T>A on transcript NM_001846.4 (MANE Select); coding-DNA position 38, T replaced by A.
Protein change: p.Leu13Gln; replaces leucine 13 with glutamine.
Molecular consequence: missense variant.
Genome position (GRCh38, 1-based): chr13:110,307,941, T>A. VCF-style: chr13-110307941-T-A. GRCh37 (hg19) VCF-style: chr13-110960288-T-A.
Other names: short protein forms L13Q.
Identifiers: ClinVar variation 3646998 (VCV003646998.1).

ClinVar aggregate classification (germline): Uncertain significance (1 of 4 stars; one submission).

gnomAD v4.1: 57 of 1,612,804 alleles (0.0035%); highest among the groups gnomAD compares: Non-Finnish European, 0.0043%; no homozygotes.

Submission:

Labcorp Genetics (formerly Invitae), Labcorp
Classification: Uncertain significance. Last evaluated: 2024-11-30. Review status: criteria provided, single submitter. Criteria: Invitae Variant Classification Sherloc (09022015). Collection method: clinical testing. Allele origin: germline.
Comment: This sequence change replaces leucine, which is neutral and non-polar, with glutamine, which is neutral and polar, at codon 13 of the COL4A2 protein (p.Leu13Gln). This variant is present in population databases (rs374140752, gnomAD 0.002%). This variant has not been reported in the literature in individuals affected with COL4A2-related conditions. Invitae Evidence Modeling of protein sequence and biophysical properties (such as structural, functional, and spatial information, amino acid conservation, physicochemical variation, residue mobility, and thermodynamic stability) has been performed for this missense variant. However, the output from this modeling did not meet the statistical confidence thresholds required to predict the impact of this variant on COL4A2 protein function. In summary, the available evidence is currently insufficient to determine the role of this variant in disease. Therefore, it has been classified as a Variant of Uncertain Significance.